The following is an entry in ClinVar:

ClinVar aggregate classification (germline): Likely pathogenic. Review status: criteria provided, multiple submitters, no conflicts (2 of 4 stars). 2 submissions from 2 submitters: Likely pathogenic (2). Last evaluated 2022-03-26.

Conditions:
SAG-related disorder. Also called: SAG-related condition; SAG-related disorders.

Allele frequency attached by ClinVar (database versions not stated): ExAC 0.00002; gnomAD exomes 0.00001.
gnomAD v4.1: 15 of 1,613,528 alleles (0.00093%); highest among the groups gnomAD compares: Non-Finnish European, 0.0013%; no homozygotes.

Submissions (2):

Labcorp Genetics (formerly Invitae), Labcorp
Classification: Likely pathogenic. Last evaluated: 2022-03-26. Review status: criteria provided, single submitter. Criteria: Invitae Variant Classification Sherloc (09022015). Collection method: clinical testing. Allele origin: germline.
Comment: In summary, the currently available evidence indicates that the variant is pathogenic, but additional data are needed to prove that conclusively. Therefore, this variant has been classified as Likely Pathogenic. Algorithms developed to predict the effect of sequence changes on RNA splicing suggest that this variant may disrupt the consensus splice site. Disruption of this splice site has been observed in individual(s) with Oguchi disease (PMID: 32333190). This variant is present in population databases (rs779062750, gnomAD 0.006%). This sequence change affects a donor splice site in intron 4 of the SAG gene. It is expected to disrupt RNA splicing. Variants that disrupt the donor or acceptor splice site typically lead to a loss of protein function (PMID: 16199547), and loss-of-function variants in SAG are known to be pathogenic (PMID: 9452120, 15234147, 22665972).

Blueprint Genetics
Classification: Likely pathogenic for SAG-related disorders. Last evaluated: 2021-10-19. Review status: criteria provided, single submitter. Criteria: ACMG Guidelines, 2015. Collection method: clinical testing. Allele origin: germline. Affected: yes. Observed: 1 variant allele.

Literature cited by the submitters: PubMed 32333190 (cited by Labcorp Genetics (formerly Invitae), Labcorp); PubMed 16199547 (cited by Labcorp Genetics (formerly Invitae), Labcorp); PubMed 9452120 (cited by Labcorp Genetics (formerly Invitae), Labcorp); PubMed 15234147 (cited by Labcorp Genetics (formerly Invitae), Labcorp); PubMed 22665972 (cited by Labcorp Genetics (formerly Invitae), Labcorp).

NM_000541.5(SAG):c.181+1G>A

Gene: SAG (S-antigen visual arrestin; plus strand). Cytogenetic location: 2q37.1.
Variant type: single nucleotide variant.
Coding change: c.181+1G>A on transcript NM_000541.5 (MANE Select); the canonical splice donor site of the intron after coding-DNA position 181, G replaced by A.
Molecular consequence: splice donor variant.
Genome position (GRCh38, 1-based): chr2:233,318,796, G>A. VCF-style: chr2-233318796-G-A. GRCh37 (hg19) VCF-style: chr2-234227442-G-A.
Identifiers: ClinVar variation 1914394 (VCV001914394.6), dbSNP rs779062750, ClinGen allele CA2174243.